The following is an entry in ClinVar:

ClinVar aggregate classification (germline): Pathogenic (1 of 4 stars; one submission).

Submission:

CeGaT Center for Human Genetics Tuebingen
Classification: Pathogenic. Last evaluated: 2025-06-01. Review status: criteria provided, single submitter. Criteria: CeGaT Center For Human Genetics Tuebingen Variant Classification Criteria Version 2. Collection method: clinical testing. Allele origin: germline. Affected: yes. Observed: 1 variant allele.
Comment: UBE3B: PVS1, PM2

NM_130466.4(UBE3B):c.161+1G>A

Gene: UBE3B (ubiquitin protein ligase E3B; plus strand). Cytogenetic location: 12q24.11.
Variant type: single nucleotide variant.
Coding change: c.161+1G>A on transcript NM_130466.4 (MANE Select); the canonical splice donor site of the intron after coding-DNA position 161, G replaced by A.
Molecular consequence: splice donor variant.
Genome position (GRCh38, 1-based): chr12:109,483,713, G>A. VCF-style: chr12-109483713-G-A. GRCh37 (hg19) VCF-style: chr12-109921518-G-A.
Other names: c.161+1G>A (NM_183415.3, NM_001270449.2, NM_001270451.2 and 1 more transcripts).
Identifiers: ClinVar variation 4085145 (VCV004085145.8).